The following is an entry in ClinVar:

NM_000138.5(FBN1):c.5300T>C (p.Ile1767Thr)

Gene: FBN1 (fibrillin 1; minus strand). Cytogenetic location: 15q21.1.
Variant type: single nucleotide variant.
Coding change: c.5300T>C on transcript NM_000138.5 (MANE Select); coding-DNA position 5300, T replaced by C.
Protein change: p.Ile1767Thr; replaces isoleucine 1767 with threonine.
Molecular consequence: missense variant.
Genome position (GRCh38, 1-based): chr15:48,456,759, A>G on the plus strand (T>C on the coding strand, the complement: FBN1 is on the minus strand). VCF-style: chr15-48456759-A-G. GRCh37 (hg19) VCF-style: chr15-48748956-A-G.
Other names: c.5300T>C, p.Ile1767Thr (NM_001406716.1); short protein forms I1767T.
Identifiers: ClinVar variation 2121644 (VCV002121644.6), dbSNP rs2505479219, ClinGen allele CA392346577.

ClinVar aggregate classification (germline): Uncertain significance. Review status: criteria provided, multiple submitters, no conflicts (2 of 4 stars). 2 submissions from 2 submitters: Uncertain significance (2). Last evaluated 2023-08-07.

Conditions:
Familial thoracic aortic aneurysm and aortic dissection (TAAD). Also called: Thoracic aortic aneurysms and dissections. Identifiers: Orphanet 91387, MedGen C4707243, MONDO:0019625.
Marfan syndrome (MFS). Also called: MARFAN SYNDROME, TYPE I; Marfan syndrome type 1; Marfan's syndrome; Marfan syndrome, classic; FBN1-Related Marfan Syndrome. Identifiers: Orphanet 284963, Orphanet 558, MedGen C0024796, MONDO:0007947, OMIM 154700.

Submissions (2):

Color Diagnostics, LLC DBA Color Health
Classification: Uncertain significance for Familial thoracic aortic aneurysm and aortic dissection. Last evaluated: 2023-08-07. Review status: criteria provided, single submitter. Criteria: ACMG Guidelines, 2015. Collection method: clinical testing. Allele origin: germline.
Comment: This missense variant replaces isoleucine with threonine at codon 1767 of the FBN1 protein. Computational prediction suggests that this variant may have deleterious impact on protein structure and function (internally defined REVEL score threshold >= 0.7, PMID: 27666373). To our knowledge, functional studies have not been reported for this variant. This variant has not been reported in individuals affected with FBN1-related disorders in the literature. This variant has not been identified in the general population by the Genome Aggregation Database (gnomAD). The available evidence is insufficient to determine the role of this variant in disease conclusively. Therefore, this variant is classified as a Variant of Uncertain Significance.

Labcorp Genetics (formerly Invitae), Labcorp
Classification: Uncertain significance for Marfan syndrome; Familial thoracic aortic aneurysm and aortic dissection. Last evaluated: 2022-04-07. Review status: criteria provided, single submitter. Criteria: Invitae Variant Classification Sherloc (09022015). Collection method: clinical testing. Allele origin: germline.
Comment: This sequence change replaces isoleucine, which is neutral and non-polar, with threonine, which is neutral and polar, at codon 1767 of the FBN1 protein (p.Ile1767Thr). This variant is not present in population databases (gnomAD no frequency). This variant has not been reported in the literature in individuals affected with FBN1-related conditions. Advanced modeling of protein sequence and biophysical properties (such as structural, functional, and spatial information, amino acid conservation, physicochemical variation, residue mobility, and thermodynamic stability) performed at Invitae indicates that this missense variant is expected to disrupt FBN1 protein function. In summary, the available evidence is currently insufficient to determine the role of this variant in disease. Therefore, it has been classified as a Variant of Uncertain Significance.